The following is an entry in ClinVar:

ClinVar aggregate classification (germline): Conflicting classifications of pathogenicity. Review status: criteria provided, conflicting classifications (1 of 4 stars). 4 submissions from 4 submitters: Uncertain significance (3); Likely benign (1). Last evaluated 2024-06-25.

Conditions:
Cardiovascular phenotype. Identifiers: MedGen CN230736.
Hereditary cancer-predisposing syndrome. Also called: Hereditary neoplastic syndrome; Neoplastic Syndromes, Hereditary; Tumor predisposition; Hereditary Cancer Syndrome. Identifiers: Orphanet 140162, MedGen C0027672, MeSH D009386, MONDO:0015356.
Neurofibromatosis, type 1 (NF1). Also called: VON RECKLINGHAUSEN DISEASE; Peripheral type neurofibromatosis; NEUROFIBROMATOSIS, TYPE I, SOMATIC; Neurofibromatosis, type I. Identifiers: Orphanet 636, MedGen C0027831, MONDO:0018975, OMIM 162200. Disease mechanism: loss of function.

Submissions (4):

Ambry Genetics
Classification: Uncertain significance for Cardiovascular phenotype; Hereditary cancer-predisposing syndrome. Last evaluated: 2024-06-25. Review status: criteria provided, single submitter. Criteria: Ambry Variant Classification Scheme 2023. Collection method: clinical testing. Allele origin: germline.
Comment: The p.F477L variant (also known as c.1429T>C), located in coding exon 13 of the NF1 gene, results from a T to C substitution at nucleotide position 1429. The phenylalanine at codon 477 is replaced by leucine, an amino acid with highly similar properties. This variant was reported in 0/60,466 breast cancer cases and in 2/53,461 controls (Dorling et al. N Engl J Med. 2021 02;384:428-439). This amino acid position is highly conserved in available vertebrate species. In addition, this alteration is predicted to be tolerated by in silico analysis. Since supporting evidence is limited at this time, the clinical significance of this alteration remains unclear.

GeneDx
Classification: Uncertain significance. Last evaluated: 2022-06-01. Review status: criteria provided, single submitter. Criteria: GeneDx Variant Classification Process June 2021. Collection method: clinical testing. Allele origin: germline. Affected: yes.
Comment: Not observed at significant frequency in large population cohorts (gnomAD); In silico analysis supports that this missense variant has a deleterious effect on protein structure/function; Has not been previously published as pathogenic or benign to our knowledge

Labcorp Genetics (formerly Invitae), Labcorp
Classification: Uncertain significance for Neurofibromatosis, type 1. Last evaluated: 2022-03-29. Review status: criteria provided, single submitter. Criteria: Invitae Variant Classification Sherloc (09022015). Collection method: clinical testing. Allele origin: germline.
Comment: ClinVar contains an entry for this variant (Variation ID: 484107). In summary, the available evidence is currently insufficient to determine the role of this variant in disease. Therefore, it has been classified as a Variant of Uncertain Significance. Advanced modeling of protein sequence and biophysical properties (such as structural, functional, and spatial information, amino acid conservation, physicochemical variation, residue mobility, and thermodynamic stability) performed at Invitae indicates that this missense variant is not expected to disrupt NF1 protein function. This variant has not been reported in the literature in individuals affected with NF1-related conditions. This variant is not present in population databases (gnomAD no frequency). This sequence change replaces phenylalanine, which is neutral and non-polar, with leucine, which is neutral and non-polar, at codon 477 of the NF1 protein (p.Phe477Leu).

ARUP Laboratories, Molecular Genetics and Genomics, ARUP Laboratories
Classification: Likely benign. Last evaluated: 2017-10-31. Review status: criteria provided, single submitter. Criteria: ARUP Molecular Germline Variant Investigation Process. Collection method: clinical testing. Allele origin: germline.
Comment: The NF1 c.1429T>C;p.Phe477Leu variant has not been described in the medical literature or in gene-specific databases. The variant is not listed in the ClinVar database, the dbSNP variant database, or in the general population-based databases (Exome Variant Server, Genome Aggregation Database). The amino acid at this position is well conserved across species and computational algorithms (AlignGVGD, PolyPhen2, SIFT) predict this variant is tolerated. Considering available information, there is insufficient information to classify this variant with certainty.

Literature cited by the submitters: PubMed 33471991 (cited by Ambry Genetics).

NM_001042492.3(NF1):c.1429T>C (p.Phe477Leu)

Gene: NF1 (neurofibromin 1; plus strand). Cytogenetic location: 17q11.2.
Variant type: single nucleotide variant.
Coding change: c.1429T>C on transcript NM_001042492.3 (MANE Select); coding-DNA position 1429, T replaced by C.
Protein change: p.Phe477Leu; replaces phenylalanine 477 with leucine.
Molecular consequence: missense variant.
Genome position (GRCh38, 1-based): chr17:31,214,487, T>C. VCF-style: chr17-31214487-T-C. GRCh37 (hg19) VCF-style: chr17-29541505-T-C.
Other names: c.1429T>C, p.Phe477Leu (NM_000267.4, NM_001128147.3); short protein forms F477L.
Identifiers: ClinVar variation 484107 (VCV000484107.18), dbSNP rs1555612276, ClinGen allele CA399001490.